The following is an entry in ClinVar:

ClinVar aggregate classification (germline): Uncertain significance (0 of 4 stars; one submission).

Conditions:
Familial cancer of breast. Also called: Hereditary breast cancer; BREAST CANCER, FAMILIAL; hereditary breast carcinoma. Identifiers: Orphanet 227535, MedGen C0346153, MONDO:0016419, OMIM 114480. Disease mechanism: loss of function.

Submission:

Leiden Open Variation Database
Classification: Uncertain significance for Familial cancer of breast. Last evaluated: 2019-12-20. Review status: no assertion criteria provided. Collection method: curation. Allele origin: germline. Affected: yes.
Comment: Curator: Arleen D. Auerbach. Submitter to LOVD: Gemeinschaftspraxis for Humangenetik Dresden. Comment: Variant observed de novo.

NM_058216.3(RAD51C):c.180T>C (p.Thr60=)

Gene: RAD51C (RAD51 paralog C; plus strand). Cytogenetic location: 17q22.
Variant type: single nucleotide variant.
Coding change: c.180T>C on transcript NM_058216.3 (MANE Select); coding-DNA position 180, T replaced by C.
Protein change: p.Thr60=; no amino-acid change (threonine 60 retained).
Molecular consequence: synonymous variant. On other transcripts: non-coding transcript variant (2).
Genome position (GRCh38, 1-based): chr17:58,694,965, T>C. VCF-style: chr17-58694965-T-C. GRCh37 (hg19) VCF-style: chr17-56772326-T-C.
Other names: c.180T>C, p.Thr60= (NM_002876.4).
Identifiers: ClinVar variation 929789 (VCV000929789.2), dbSNP rs755092293, ClinGen allele CA501074496.
Genomic context (GRCh38, chr17:58,694,965, plus strand): 5'-TTCTTTTTTTCTTATTTTACTTTCAGAAGTTGGGATATCTAAAGCAGAAGCCTTAGAAAC[T>C]CTGCAAATTATCAGAAGAGAATGTCTCACAAATAAACCAAGATATGCTGGTACATCTGAG-3'
Protein context (NP_478123.1, residues 50-70): VGISKAEALE[Thr60=]LQIIRRECLT